The following is an entry in ClinVar:

NM_000214.3(JAG1):c.857C>T (p.Thr286Ile)

Gene: JAG1 (jagged canonical Notch ligand 1; minus strand). Cytogenetic location: 20p12.2.
Variant type: single nucleotide variant.
Coding change: c.857C>T on transcript NM_000214.3 (MANE Select); coding-DNA position 857, C replaced by T.
Protein change: p.Thr286Ile; replaces threonine 286 with isoleucine.
Molecular consequence: missense variant.
Genome position (GRCh38, 1-based): chr20:10,652,497, G>A on the plus strand (C>T on the coding strand, the complement: JAG1 is on the minus strand). VCF-style: chr20-10652497-G-A. GRCh37 (hg19) VCF-style: chr20-10633145-G-A.
Other names: short protein forms T286I.
Identifiers: ClinVar variation 3573147 (VCV003573147.4).

ClinVar aggregate classification (germline): Uncertain significance (1 of 4 stars; one submission).

Conditions:
Alagille syndrome due to a JAG1 point mutation. Also called: HEPATIC DUCTULAR HYPOPLASIA, SYNDROMATIC; Alagille Syndrome 1; JAG1-Related Alagille Syndrome. Identifiers: Orphanet 261619, Orphanet 52, MedGen C1956125, MONDO:0016862, OMIM 118450.

gnomAD v4.1: 1 of 1,614,164 alleles (0.000062%); highest among the groups gnomAD compares: Non-Finnish European, 0.000085%; no homozygotes.

Submissions (2):

Labcorp Genetics (formerly Invitae), Labcorp
Classification: Uncertain significance for Alagille syndrome due to a JAG1 point mutation. Last evaluated: 2024-11-19. Review status: criteria provided, single submitter. Criteria: Invitae Variant Classification Sherloc (09022015). Collection method: clinical testing. Allele origin: germline.
Comment: This sequence change replaces threonine, which is neutral and polar, with isoleucine, which is neutral and non-polar, at codon 286 of the JAG1 protein (p.Thr286Ile). This variant is not present in population databases (gnomAD no frequency). This variant has not been reported in the literature in individuals affected with JAG1-related conditions. Invitae Evidence Modeling of protein sequence and biophysical properties (such as structural, functional, and spatial information, amino acid conservation, physicochemical variation, residue mobility, and thermodynamic stability) indicates that this missense variant is not expected to disrupt JAG1 protein function with a negative predictive value of 80%. In summary, the available evidence is currently insufficient to determine the role of this variant in disease. Therefore, it has been classified as a Variant of Uncertain Significance.

Gilbert/Spinner Lab, Children's Hospital of Philadelphia
No classification provided (evidence only). Condition: Alagille syndrome. Review status: no classification provided. Collection method: research. Allele origin: not applicable. Functional consequence: functionally_abnormal. Not counted in ClinVar's aggregate classification.
ClinVar note: "not provided" was previously submitted as the classification for the variant. However, the classification appeared to be based only on an observation of functional data so it was converted to no classification on 2025-07-30.